The following is an entry in ClinVar:

NM_001291303.3(FAT4):c.4032A>G (p.Ser1344=)

Gene: FAT4 (FAT atypical cadherin 4; plus strand). Cytogenetic location: 4q28.1.
Variant type: single nucleotide variant.
Coding change: c.4032A>G on transcript NM_001291303.3 (MANE Select); coding-DNA position 4032, A replaced by G.
Protein change: p.Ser1344=; no amino-acid change (serine 1344 retained).
Molecular consequence: synonymous variant.
Genome position (GRCh38, 1-based): chr4:125,320,443, A>G. VCF-style: chr4-125320443-A-G. GRCh37 (hg19) VCF-style: chr4-126241598-A-G.
Other names: c.4032A>G, p.Ser1344= (NM_001291285.3, NM_024582.6).
Identifiers: ClinVar variation 1611997 (VCV001611997.10), dbSNP rs201020367, ClinGen allele CA3072403.

ClinVar aggregate classification (germline): Likely benign. Review status: criteria provided, multiple submitters, no conflicts (2 of 4 stars). 2 submissions from 2 submitters: Likely benign (2). Last evaluated 2026-05-01.

Allele frequency attached by ClinVar (database versions not stated): gnomAD exomes 0.00001 and 0.00002; ExAC 0.00002; gnomAD 0.00002 and 0.00003; TOPMed 0.00006; 1000 Genomes Project 30x 0.00016; 1000 Genomes Project 0.00020.

Submissions (2):

CeGaT Center for Human Genetics Tuebingen
Classification: Likely benign. Last evaluated: 2026-05-01. Review status: criteria provided, single submitter. Criteria: CeGaT Center For Human Genetics Tuebingen Variant Classification Criteria Version 2. Collection method: clinical testing. Allele origin: germline. Affected: yes. Observed: 1 variant allele.
Comment: FAT4: BP4, BP7

Labcorp Genetics (formerly Invitae), Labcorp
Classification: Likely benign. Last evaluated: 2025-10-21. Review status: criteria provided, single submitter. Criteria: Invitae Variant Classification Sherloc (09022015). Collection method: clinical testing. Allele origin: germline.